The following is an entry in ClinVar:

NM_000264.5(PTCH1):c.172G>A (p.Ala58Thr)

Gene: PTCH1 (patched 1; minus strand). Cytogenetic location: 9q22.32.
Variant type: single nucleotide variant.
Coding change: c.172G>A on transcript NM_000264.5 (MANE Select); coding-DNA position 172, G replaced by A.
Protein change: p.Ala58Thr; replaces alanine 58 with threonine.
Molecular consequence: missense variant. On other transcripts: non-coding transcript variant (1), intron variant (3).
Genome position (GRCh38, 1-based): chr9:95,508,190, C>T on the plus strand (G>A on the coding strand, the complement: PTCH1 is on the minus strand). VCF-style: chr9-95508190-C-T. GRCh37 (hg19) VCF-style: chr9-98270472-C-T.
Other names: c.172G>A (NM_000264.3); c.172G>A, p.Ala58Thr (NM_001354918.2); c.199-1591G>A (NM_001083603.3); c.4-1591G>A (NM_001083602.3, NM_001354919.2); short protein forms A58T.
Identifiers: ClinVar variation 1514141 (VCV001514141.9), dbSNP rs1249138008, ClinGen allele CA374121299.
Genomic context (GRCh38, chr9:95,508,190, plus strand): 5'-AGAAAGTGGGAGGAGAGAGTCTGAAATGCACCTTGGAAATCTGCTCCAGAGCGAAGGCGG[C>T]GTCGCAGTAGCTGGGCCGGTGCAGATAGTCCCGGTCCGGCGCGGCAGCACGGCGCAGCCC-3'
Protein context (NP_000255.2, residues 48-68): DYLHRPSYCD[Ala58Thr]AFALEQISKG

ClinVar aggregate classification (germline): Uncertain significance. Review status: criteria provided, multiple submitters, no conflicts (2 of 4 stars). 2 submissions from 2 submitters: Uncertain significance (2). Last evaluated 2025-04-21.

Conditions:
Gorlin syndrome. Also called: Basal cell nevus syndrome; Nevoid Basal Cell Carcinoma Syndrome. Identifiers: Orphanet 377, MedGen C0004779, MONDO:0007187.
Hereditary cancer-predisposing syndrome. Also called: Neoplastic Syndromes, Hereditary; Hereditary Cancer Syndrome; Tumor predisposition; Hereditary neoplastic syndrome. Identifiers: Orphanet 140162, MedGen C0027672, MeSH D009386, MONDO:0015356.

Submissions (2):

Ambry Genetics
Classification: Uncertain significance for Hereditary cancer-predisposing syndrome. Last evaluated: 2025-04-21. Review status: criteria provided, single submitter. Criteria: Ambry Variant Classification Scheme 2023. Collection method: clinical testing. Allele origin: germline.
Comment: The p.A58T variant (also known as c.172G>A), located in coding exon 1 of the PTCH1 gene, results from a G to A substitution at nucleotide position 172. The alanine at codon 58 is replaced by threonine, an amino acid with similar properties. This amino acid position is conserved. In addition, the in silico prediction for this alteration is inconclusive. Based on the available evidence, the clinical significance of this variant remains unclear.

Labcorp Genetics (formerly Invitae), Labcorp
Classification: Uncertain significance for Gorlin syndrome. Last evaluated: 2024-03-10. Review status: criteria provided, single submitter. Criteria: Invitae Variant Classification Sherloc (09022015). Collection method: clinical testing. Allele origin: germline.
Comment: This sequence change replaces alanine, which is neutral and non-polar, with threonine, which is neutral and polar, at codon 58 of the PTCH1 protein (p.Ala58Thr). This variant is not present in population databases (gnomAD no frequency). This variant has not been reported in the literature in individuals affected with PTCH1-related conditions. ClinVar contains an entry for this variant (Variation ID: 1514141). Advanced modeling of protein sequence and biophysical properties (such as structural, functional, and spatial information, amino acid conservation, physicochemical variation, residue mobility, and thermodynamic stability) performed at Invitae indicates that this missense variant is not expected to disrupt PTCH1 protein function with a negative predictive value of 95%. In summary, the available evidence is currently insufficient to determine the role of this variant in disease. Therefore, it has been classified as a Variant of Uncertain Significance.